The following is an entry in ClinVar:

ClinVar aggregate classification (germline): Conflicting classifications of pathogenicity. Review status: criteria provided, conflicting classifications (1 of 4 stars). 5 submissions from 5 submitters: Uncertain significance (4); Likely benign (1). Last evaluated 2025-06-24.

Conditions:
Inborn genetic diseases. Identifiers: MedGen C0950123, MeSH D030342.

Allele frequency attached by ClinVar (database versions not stated): TOPMed 0.00002; gnomAD 0.00003; gnomAD exomes 0.00003 and 0.00005; ExAC 0.00007.
gnomAD v4.1: 53 of 1,612,580 alleles (0.0033%); highest among the groups gnomAD compares: Middle Eastern, 0.2%; 1 homozygote.

Submissions (5):

Ambry Genetics
Classification: Uncertain significance for Inborn genetic diseases. Last evaluated: 2025-06-24. Review status: criteria provided, single submitter. Criteria: Ambry Variant Classification Scheme 2023. Collection method: clinical testing. Allele origin: germline.

Blueprint Genetics
Classification: Likely benign. Last evaluated: 2024-11-01. Review status: criteria provided, single submitter. Criteria: ACMG Guidelines, 2015. Collection method: clinical testing. Allele origin: germline.

Labcorp Genetics (formerly Invitae), Labcorp
Classification: Uncertain significance. Last evaluated: 2021-08-28. Review status: criteria provided, single submitter. Criteria: Invitae Variant Classification Sherloc (09022015). Collection method: clinical testing. Allele origin: germline.
Comment: This sequence change replaces arginine with histidine at codon 1482 of the OBSL1 protein (p.Arg1482His). The arginine residue is weakly conserved and there is a small physicochemical difference between arginine and histidine. This variant is present in population databases (rs779614614, ExAC 0.02%). This variant has not been reported in the literature in individuals affected with OBSL1-related conditions. ClinVar contains an entry for this variant (Variation ID: 497921). Algorithms developed to predict the effect of missense changes on protein structure and function output the following: SIFT: "Tolerated"; PolyPhen-2: "Benign"; Align-GVGD: "Class C0". The histidine amino acid residue is found in multiple mammalian species, which suggests that this missense change does not adversely affect protein function. In summary, the available evidence is currently insufficient to determine the role of this variant in disease. Therefore, it has been classified as a Variant of Uncertain Significance.

Eurofins Ntd Llc (ga)
Classification: Uncertain significance. Last evaluated: 2016-11-08. Review status: criteria provided, single submitter. Criteria: EGL Classification Definitions 2015. Collection method: clinical testing. Allele origin: germline. Observed: 1 variant allele, 1 heterozygote.

Breakthrough Genomics
Classification: Uncertain significance. Review status: criteria provided, single submitter. Criteria: ACMG Guidelines, 2015. Collection method: not provided. Allele origin: germline. Inheritance: Autosomal recessive inheritance. Affected: yes.

NM_015311.3(OBSL1):c.4445G>A (p.Arg1482His)

Gene: OBSL1 (obscurin like cytoskeletal adaptor 1; minus strand). Cytogenetic location: 2q35.
Variant type: single nucleotide variant.
Coding change: c.4445G>A on transcript NM_015311.3 (MANE Select); coding-DNA position 4445, G replaced by A.
Protein change: p.Arg1482His; replaces arginine 1482 with histidine.
Molecular consequence: missense variant.
Genome position (GRCh38, 1-based): chr2:219,556,184, C>T on the plus strand (G>A on the coding strand, the complement: OBSL1 is on the minus strand). VCF-style: chr2-219556184-C-T. GRCh37 (hg19) VCF-style: chr2-220420906-C-T.
Other names: c.4445G>A, p.Arg1482His (NM_001173431.2); c.4445G>A (NM_015311.2); short protein forms R1482H.
Identifiers: ClinVar variation 497921 (VCV000497921.13), dbSNP rs779614614, ClinGen allele CA2130541.